The following is an entry in ClinVar:

NM_001673.5(ASNS):c.187C>G (p.Arg63Gly)

Genes: ASNS (asparagine synthetase (glutamine-hydrolyzing); minus strand), CZ1P-ASNS (CZ1P-ASNS readthrough; minus strand). Cytogenetic location: 7q21.3.
Variant type: single nucleotide variant.
Coding change: c.187C>G on transcript NM_001673.5 (MANE Select); coding-DNA position 187, C replaced by G.
Protein change: p.Arg63Gly; replaces arginine 63 with glycine.
Molecular consequence: missense variant. On other transcripts: non-coding transcript variant (1), intron variant (2).
Genome position (GRCh38, 1-based): chr7:97,868,970, G>C on the plus strand (C>G on the coding strand, the complement: ASNS is on the minus strand). VCF-style: chr7-97868970-G-C. GRCh37 (hg19) VCF-style: chr7-97498282-G-C.
Other names: c.124C>G, p.Arg42Gly (NM_001178075.2); c.187C>G, p.Arg63Gly (NM_001352496.2, NM_133436.3, NM_183356.4); c.-1+3381C>G (NM_001178076.2); c.-1+3071C>G (NM_001178077.1); short protein forms R42G, R63G.
Identifiers: ClinVar variation 5018713 (VCV005018713.2).
Genomic context (GRCh38, chr7:97,868,970, plus strand): 5'-TCTTATGGTTGTAGATTTCACCATTGTAACAGAGCCACAAATACGGATATTTCTTCACTC[G>C]AATTGGCTGCATTCCAAACAGCGGGTCAACTACCGCCAACCGGTGAAATCCAAAGCAGCA-3'
Protein context (NP_001664.3, residues 53-73): VDPLFGMQPI[Arg63Gly]VKKYPYLWLC

ClinVar aggregate classification (germline): Uncertain significance (1 of 4 stars; one submission).

Conditions:
Congenital microcephaly - severe encephalopathy - progressive cerebral atrophy syndrome. Also called: Asparagine synthetase deficiency; ASNS DEFICIENCY. Identifiers: Orphanet 391376, MedGen C3809971, MONDO:0014258, OMIM 615574.

gnomAD v4.1: 1 of 1,614,160 alleles (0.000062%); highest among the groups gnomAD compares: Non-Finnish European, 0.000085%; no homozygotes.

Submission:

Juno Genomics, Hangzhou Juno Genomics, Inc
Classification: Uncertain significance for Congenital microcephaly - severe encephalopathy - progressive cerebral atrophy syndrome. Review status: criteria provided, single submitter. Criteria: ACMG Guidelines, 2015. Collection method: clinical testing. Allele origin: germline.
Comment: Absent from controls (or at extremely low frequency if recessive) in Genome Aggregation Database.;Multiple lines of computational evidence suggest no impact on gene or gene product.